The following is an entry in ClinVar:

ClinVar aggregate classification (germline): Pathogenic (1 of 4 stars; one submission).

Conditions:
Neuromuscular disease caused by qualitative or quantitative defects of dysferlin. Also called: Dysferlinopathy; Qualitative or quantitative defects of dysferlin. Identifiers: Orphanet 207073, MedGen C2931687, MONDO:0016145.

Submission:

Labcorp Genetics (formerly Invitae), Labcorp
Classification: Pathogenic for Neuromuscular disease caused by qualitative or quantitative defects of dysferlin. Last evaluated: 2022-05-28. Review status: criteria provided, single submitter. Criteria: Invitae Variant Classification Sherloc (09022015). Collection method: clinical testing. Allele origin: germline.
Comment: This variant is not present in population databases (gnomAD no frequency). This sequence change creates a premature translational stop signal (p.Val877Alafs*71) in the DYSF gene. It is expected to result in an absent or disrupted protein product. Loss-of-function variants in DYSF are known to be pathogenic (PMID: 17698709, 20301480). This variant has not been reported in the literature in individuals affected with DYSF-related conditions. For these reasons, this variant has been classified as Pathogenic.

Literature cited by the submitters: PubMed 17698709; PubMed 20301480.

NM_001130987.2(DYSF):c.2684del (p.Val895fs)

Gene: DYSF (dysferlin; plus strand). Cytogenetic location: 2p13.2.
Variant type: Deletion.
Coding change: c.2684del on transcript NM_001130987.2 (MANE Select); coding-DNA position 2684, one base deleted (T; older notation c.2684delT).
Protein change: p.Val895fs; shifts the reading frame from valine 895.
Molecular consequence: frameshift variant.
Genome position (GRCh38, 1-based): chr2:71,568,069, T deleted. VCF-style (leftmost placement, unchanged base first): chr2-71568068-GT-G. GRCh37 (hg19) VCF-style: chr2-71795198-GT-G.
Other names: c.2681del, p.Val894fs (NM_001130981.2, NM_001130980.2); c.2726del, p.Val909fs (NM_001130982.2); c.2633del, p.Val878fs (NM_001130983.2, NM_001130455.2); c.2591del, p.Val864fs (NM_001130984.2, NM_001130986.2); c.2684del, p.Val895fs (NM_001130985.2); c.2588del, p.Val863fs (NM_001130976.2, NM_001130977.2); c.2630del, p.Val877fs (NM_001130978.2, NM_003494.4); c.2723del, p.Val908fs (NM_001130979.2); short protein forms V864fs, V894fs, V908fs, V863fs, V877fs, V895fs, V878fs, V909fs.
Identifiers: ClinVar variation 2000057 (VCV002000057.4), dbSNP rs2545798522, ClinGen allele CA2580067794.